The following is an entry in ClinVar:

NM_002585.4(PBX1):c.701+9C>G

Gene: PBX1 (PBX homeobox 1; plus strand). Cytogenetic location: 1q23.3.
Variant type: single nucleotide variant.
Coding change: c.701+9C>G on transcript NM_002585.4 (MANE Select); 9 bases into the intron after coding-DNA position 701, C replaced by G.
Molecular consequence: intron variant.
Genome position (GRCh38, 1-based): chr1:164,799,898, C>G. VCF-style: chr1-164799898-C-G. GRCh37 (hg19) VCF-style: chr1-164769135-C-G.
Other names: c.701+9C>G (NM_001353131.2, NM_001204961.2, NM_001204963.2); c.452+9C>G (NM_001353130.1).
Identifiers: ClinVar variation 3030100 (VCV003030100.2), dbSNP rs2526810637, ClinGen allele CA2740090404.

ClinVar aggregate classification (germline): Likely benign (0 of 4 stars; one submission).

Conditions:
PBX1-related disorder. Also called: PBX1-related condition.

Submission:

PreventionGenetics, part of Exact Sciences
Classification: Likely benign for PBX1-related condition. Last evaluated: 2021-04-13. Review status: no assertion criteria provided. Collection method: clinical testing. Allele origin: germline.
Comment: This variant is classified as likely benign based on ACMG/AMP sequence variant interpretation guidelines (Richards et al. 2015 PMID: 25741868, with internal and published modifications).